The following is an entry in ClinVar:

NM_020975.6(RET):c.2989G>C (p.Val997Leu)

Gene: RET (ret proto-oncogene; plus strand). Cytogenetic location: 10q11.21.
Variant type: single nucleotide variant.
Coding change: c.2989G>C on transcript NM_020975.6 (MANE Select); coding-DNA position 2989, G replaced by C.
Protein change: p.Val997Leu; replaces valine 997 with leucine.
Molecular consequence: missense variant.
Genome position (GRCh38, 1-based): chr10:43,124,932, G>C. VCF-style: chr10-43124932-G-C. GRCh37 (hg19) VCF-style: chr10-43620380-G-C.
Other names: c.1684G>C, p.Val562Leu (NM_001406791.1); c.1540G>C, p.Val514Leu (NM_001406794.1, NM_001406792.1, NM_001406793.1); c.2989G>C, p.Val997Leu (NM_020629.2, NM_020630.7, NM_000323.2 and 4 more transcripts); c.2227G>C, p.Val743Leu (NM_001355216.2); c.2860G>C, p.Val954Leu (NM_001406761.1, NM_001406762.1, NM_001406764.1); c.2854G>C, p.Val952Leu (NM_001406763.1, NM_001406765.1); c.2701G>C, p.Val901Leu (NM_001406766.1, NM_001406767.1, NM_001406770.1); c.2725G>C, p.Val909Leu (NM_001406768.1); and 10 more; short protein forms V997L, V743L, V514L, V562L, V655L, V658L, V653L, V698L.
Identifiers: ClinVar variation 477361 (VCV000477361.13), dbSNP rs781236624, ClinGen allele CA041881.

ClinVar aggregate classification (germline): Uncertain significance. Review status: criteria provided, multiple submitters, no conflicts (2 of 4 stars). 3 submissions from 3 submitters: Uncertain significance (3). Last evaluated 2025-12-25.

Conditions:
Hereditary cancer-predisposing syndrome. Also called: Neoplastic Syndromes, Hereditary; Hereditary Cancer Syndrome; Hereditary neoplastic syndrome; Tumor predisposition. Identifiers: Orphanet 140162, MedGen C0027672, MeSH D009386, MONDO:0015356.
Multiple endocrine neoplasia, type 2 (MEN2). Identifiers: Orphanet 653, MedGen C4048306, MONDO:0019003. Disease mechanism: gain of function.

Allele frequency attached by ClinVar (database versions not stated): gnomAD 0.00001 and 0.00003; gnomAD exomes 0.00001; TOPMed 0.00001; ExAC 0.00002.
gnomAD v4.1: 17 of 1,614,124 alleles (0.0011%); highest among the groups gnomAD compares: South Asian, 0.014%; no homozygotes.

Submissions (3):

Labcorp Genetics (formerly Invitae), Labcorp
Classification: Uncertain significance for Multiple endocrine neoplasia, type 2. Last evaluated: 2025-12-25. Review status: criteria provided, single submitter. Criteria: Invitae Variant Classification Sherloc (09022015). Collection method: clinical testing. Allele origin: germline.
Comment: This sequence change replaces valine, which is neutral and non-polar, with leucine, which is neutral and non-polar, at codon 997 of the RET protein (p.Val997Leu). This variant is present in population databases (rs781236624, gnomAD 0.006%). This variant has not been reported in the literature in individuals affected with RET-related conditions. ClinVar contains an entry for this variant (Variation ID: 477361). An algorithm developed to predict the effect of missense changes on protein structure and function (PolyPhen-2) suggests that this variant is likely to be tolerated. In summary, the available evidence is currently insufficient to determine the role of this variant in disease. Therefore, it has been classified as a Variant of Uncertain Significance.

Ambry Genetics
Classification: Uncertain significance for Hereditary cancer-predisposing syndrome. Last evaluated: 2025-04-29. Review status: criteria provided, single submitter. Criteria: Ambry Variant Classification Scheme 2023. Collection method: clinical testing. Allele origin: germline.
Comment: The p.V997L variant (also known as c.2989G>C), located in coding exon 18 of the RET gene, results from a G to C substitution at nucleotide position 2989. The valine at codon 997 is replaced by leucine, an amino acid with highly similar properties. This amino acid position is not well conserved in available vertebrate species. In addition, this alteration is predicted to be tolerated by in silico analysis. Based on data from gnomAD, the frequency for this variant is above the maximum credible frequency for a MEN2-causing variant in this gene based on internally established thresholds (Karczewski et al. Nature. 2020 May;581(7809):434-443; Whiffin et al. Genet Med. 2017 10;19:1151-1158). Based on the supporting evidence, this association with Hirschsprung disease is unknown; however, the association of this alteration with MEN2 is unlikely.

Sema4
Classification: Uncertain significance for Hereditary cancer-predisposing syndrome. Last evaluated: 2021-11-03. Review status: criteria provided, single submitter. Criteria: Sema4 Curation Guidelines. Collection method: curation. Allele origin: germline.
Comment: The RET c.2989G>C (p.V997L) variant has not been reported in the literature to our knowledge. It was observed in 2/30616 chromosomes of the South Asian subpopulation in the large and broad cohorts of the Genome Aggregation Database (PMID: 32461654). The variant has been reported in ClinVar (Variation ID: 477361). Functional studies have not been performed, and in silico predictions of the variant's effect on protein function are inconclusive. The evidence is insufficient to meet ACMG/AMP criteria for classifying the variant as benign or pathogenic. Thus, the clinical significance of this variant is currently uncertain.